The following is an entry in ClinVar:

NM_006014.5(LAGE3):c.305G>A (p.Arg102Lys)

Gene: LAGE3 (L antigen family member 3; minus strand). Cytogenetic location: Xq28.
Variant type: single nucleotide variant.
Coding change: c.305G>A on transcript NM_006014.5 (MANE Select); coding-DNA position 305, G replaced by A.
Protein change: p.Arg102Lys; replaces arginine 102 with lysine.
Molecular consequence: missense variant.
Genome position (GRCh38, 1-based): chrX:154,478,295, C>T on the plus strand (G>A on the coding strand, the complement: LAGE3 is on the minus strand). VCF-style: chrX-154478295-C-T. GRCh37 (hg19) VCF-style: chrX-153706634-C-T.
Other names: short protein forms R102K.
Identifiers: ClinVar variation 2662112 (VCV002662112.1), dbSNP rs2523105746, ClinGen allele CA415192035.
Genomic context (GRCh38, chrX:154,478,295, plus strand): 5'-ATGTCTCCATGGGCCGCCTCCCCCAACCCCGTCCCTTTCAGAACTTACACGACCAGGATC[C>T]TGCCACTCACTGTGAGATCCTTCCCAACCACCCTTTGGTGGGGCTCGGCATCTGGTGCCA-3'
Protein context (NP_006005.2, residues 92-112): VVGKDLTVSG[Arg102Lys]ILVVRWKAED

ClinVar aggregate classification (germline): Uncertain significance (1 of 4 stars; one submission).

Submission:

GeneDx
Classification: Uncertain significance. Last evaluated: 2023-04-21. Review status: criteria provided, single submitter. Criteria: GeneDx Variant Classification Process June 2021. Collection method: clinical testing. Allele origin: germline. Affected: yes.
Comment: Not observed at significant frequency in large population cohorts (gnomAD); In silico analysis supports that this missense variant does not alter protein structure/function; Has not been previously published as pathogenic or benign to our knowledge